The following is an entry in ClinVar:

ClinVar aggregate classification (germline): Uncertain significance. Review status: criteria provided, multiple submitters, no conflicts (2 of 4 stars). 2 submissions from 2 submitters: Uncertain significance (2). Last evaluated 2024-08-14.

Conditions:
Inborn genetic diseases. Identifiers: MedGen C0950123, MeSH D030342.
Glycogen storage disease due to lactate dehydrogenase M-subunit deficiency (GSD11). Also called: Glycogen storage disease XI; GSD XI; LACTATE DEHYDROGENASE A DEFICIENCY. Identifiers: Orphanet 284426, MedGen C2931743, MONDO:0013047, OMIM 612933.

Allele frequency attached by ClinVar (database versions not stated): gnomAD exomes below 0.00001; TOPMed below 0.00001; gnomAD 0.00001.
gnomAD v4.1: 2 of 1,613,788 alleles (0.00012%); highest among the groups gnomAD compares: Non-Finnish European, 0.00017%; no homozygotes.

Submissions (2):

Ambry Genetics
Classification: Uncertain significance for Inborn genetic diseases. Last evaluated: 2024-08-14. Review status: criteria provided, single submitter. Criteria: Ambry Variant Classification Scheme 2023. Collection method: clinical testing. Allele origin: germline.

Labcorp Genetics (formerly Invitae), Labcorp
Classification: Uncertain significance for Glycogen storage disease due to lactate dehydrogenase M-subunit deficiency. Last evaluated: 2023-10-03. Review status: criteria provided, single submitter. Criteria: Invitae Variant Classification Sherloc (09022015). Collection method: clinical testing. Allele origin: germline.
Comment: This sequence change replaces serine, which is neutral and polar, with phenylalanine, which is neutral and non-polar, at codon 274 of the LDHA protein (p.Ser274Phe). This variant is not present in population databases (gnomAD no frequency). This variant has not been reported in the literature in individuals affected with LDHA-related conditions. ClinVar contains an entry for this variant (Variation ID: 1985290). Advanced modeling of protein sequence and biophysical properties (such as structural, functional, and spatial information, amino acid conservation, physicochemical variation, residue mobility, and thermodynamic stability) performed at Invitae indicates that this missense variant is expected to disrupt LDHA protein function. In summary, the available evidence is currently insufficient to determine the role of this variant in disease. Therefore, it has been classified as a Variant of Uncertain Significance.

NM_005566.4(LDHA):c.821C>T (p.Ser274Phe)

Gene: LDHA (lactate dehydrogenase A; plus strand). Cytogenetic location: 11p15.1.
Variant type: single nucleotide variant.
Coding change: c.821C>T on transcript NM_005566.4 (MANE Select); coding-DNA position 821, C replaced by T.
Protein change: p.Ser274Phe; replaces serine 274 with phenylalanine.
Molecular consequence: missense variant. On other transcripts: intron variant (2), non-coding transcript variant (1).
Genome position (GRCh38, 1-based): chr11:18,405,559, C>T. VCF-style: chr11-18405559-C-T. GRCh37 (hg19) VCF-style: chr11-18427106-C-T.
Other names: c.821C>T (NM_005566.3); c.688-1680C>T (NM_001165415.2); c.647C>T, p.Ser216Phe (NM_001135239.2); c.908C>T, p.Ser303Phe (NM_001165414.2); c.711-1558C>T (NM_001165416.2); short protein forms S216F, S274F, S303F.
Identifiers: ClinVar variation 1985290 (VCV001985290.4), dbSNP rs1393389316, ClinGen allele CA379508181.